The following is an entry in ClinVar:

NM_001297.5(CNGB1):c.2853C>A (p.Asp951Glu)

Gene: CNGB1 (cyclic nucleotide gated channel subunit beta 1; minus strand). Cytogenetic location: 16q21.
Variant type: single nucleotide variant.
Coding change: c.2853C>A on transcript NM_001297.5 (MANE Select); coding-DNA position 2853, C replaced by A.
Protein change: p.Asp951Glu; replaces aspartic acid 951 with glutamic acid.
Molecular consequence: missense variant.
Genome position (GRCh38, 1-based): chr16:57,901,567, G>T on the plus strand (C>A on the coding strand, the complement: CNGB1 is on the minus strand). VCF-style: chr16-57901567-G-T. GRCh37 (hg19) VCF-style: chr16-57935471-G-T.
Other names: c.2835C>A, p.Asp945Glu (NM_001286130.2); short protein forms D951E, D945E.
Identifiers: ClinVar variation 320070 (VCV000320070.22), dbSNP rs7190978, ClinGen allele CA8082799.

ClinVar aggregate classification (germline): Conflicting classifications of pathogenicity. Review status: criteria provided, conflicting classifications (1 of 4 stars). 4 submissions from 4 submitters: Uncertain significance (2); Benign (1); Likely benign (1). Last evaluated 2026-02-01.

Conditions:
Retinitis pigmentosa (RP). Identifiers: Orphanet 791, MedGen C0035334, MeSH D012174, MONDO:0019200, OMIM 268000. Inheritance: Autosomal dominant, autosomal recessive and X linked inheritance.

Allele frequency attached by ClinVar (database versions not stated): 1000 Genomes Project 30x 0.00765; ESP Exome Variant Server 0.00484; TOPMed 0.00589; 1000 Genomes Project 0.00719.
gnomAD v4.1: 1,672 of 1,614,162 alleles (0.1%); highest among the groups gnomAD compares: African/African-American, 2%; 12 homozygotes.

Submissions (4):

Labcorp Genetics (formerly Invitae), Labcorp
Classification: Benign. Last evaluated: 2026-02-01. Review status: criteria provided, single submitter. Criteria: Invitae Variant Classification Sherloc (09022015). Collection method: clinical testing. Allele origin: germline.

Illumina Laboratory Services, Illumina
Classification: Uncertain significance for Retinitis pigmentosa. Last evaluated: 2018-01-12. Review status: criteria provided, single submitter. Criteria: ICSL Variant Classification Criteria 13 December 2019. Collection method: clinical testing. Allele origin: germline.

GeneDx
Classification: Uncertain significance. Last evaluated: 2017-06-16. Review status: criteria provided, single submitter. Criteria: GeneDx Variant Classification (06012015). Collection method: clinical testing. Allele origin: germline. Affected: yes.
Comment: The D951E variant in the CNGB1 gene has not been reported previously as a pathogenic variant, nor as a benign variant, to our knowledge. The D951E variant is observed in 199/9766 (2.04%) alleles from individuals of African background, including one homozygous individual, in large population cohorts (Lek et al., 2016; 1000 Genomes Consortium et al., 2015; Exome Variant Server). The D951E variant is a conservative amino acid substitution, which is not likely to impact secondary protein structure as these residues share similar properties. However, this substitution occurs at a position that is conserved across species and in silico analysis predicts this variant is probably damaging to the protein structure/function. We interpret D951E as a variant of uncertain significance.

ARUP Laboratories, Molecular Genetics and Genomics, ARUP Laboratories
Classification: Likely benign. Last evaluated: 2017-06-07. Review status: criteria provided, single submitter. Criteria: ARUP Molecular Germline Variant Investigation Process. Collection method: clinical testing. Allele origin: germline.
Comment: The CNGB1 c.2853C>A;p.Asp951Glu variant (rs7190978) is listed in the Exome Variant Server with an allele frequency of 1.4423 percent (60/4100 alleles) in the African American population in the Exome Variant Server and 1.981 percent (476/24024 alleles, 7 homozygotes) in the African population in the Genome Aggregation Database. The variant is listed in the ClinVar database (Variation ID: 320070). Considering the relatively high population frequency, this variant is classified as likely benign.